The following is an entry in ClinVar:

NM_000127.3(EXT1):c.1880A>G (p.His627Arg)

Gene: EXT1 (exostosin glycosyltransferase 1; minus strand). Cytogenetic location: 8q24.11.
Variant type: single nucleotide variant.
Coding change: c.1880A>G on transcript NM_000127.3 (MANE Select); coding-DNA position 1880, A replaced by G.
Protein change: p.His627Arg; replaces histidine 627 with arginine.
Molecular consequence: missense variant.
Genome position (GRCh38, 1-based): chr8:117,807,220, T>C on the plus strand (A>G on the coding strand, the complement: EXT1 is on the minus strand). VCF-style: chr8-117807220-T-C. GRCh37 (hg19) VCF-style: chr8-118819459-T-C.
Other names: short protein forms H627R.
Identifiers: ClinVar variation 2421084 (VCV002421084.6), dbSNP rs2488089054, ClinGen allele CA371877872.
Genomic context (GRCh38, chr8:117,807,220, plus strand): 5'-AGCAGCCAATATAAAAAGCTATGTAAAGTCTGTAAGAGACATGTCCAGATTCCTCACTTG[T>C]GGTAAATAGCAGCTCCTGTCAACACCATGGAGTAGTCGTTCGTCCACTTTGATGTGTATC-3'
Protein context (NP_000118.2, residues 617-637): SMVLTGAAIY[His627Arg]KYYHYLYSHY

ClinVar aggregate classification (germline): Likely pathogenic (1 of 4 stars; one submission).

Conditions:
Multiple congenital exostosis (EXT). Also called: Hereditary multiple osteochondromas; Multiple exostoses; Multiple osteochondromas; MULTIPLE CARTILAGINOUS EXOSTOSES; Hereditary multiple exostoses; Hereditary multiple exostosis. Identifiers: Orphanet 321, MedGen C0015306, MONDO:0005508, HP:0002762.

Submission:

Labcorp Genetics (formerly Invitae), Labcorp
Classification: Likely pathogenic for Multiple congenital exostosis. Last evaluated: 2022-03-05. Review status: criteria provided, single submitter. Criteria: Invitae Variant Classification Sherloc (09022015). Collection method: clinical testing. Allele origin: germline.
Comment: In summary, the currently available evidence indicates that the variant is pathogenic, but additional data are needed to prove that conclusively. Therefore, this variant has been classified as Likely Pathogenic. Advanced modeling of protein sequence and biophysical properties (such as structural, functional, and spatial information, amino acid conservation, physicochemical variation, residue mobility, and thermodynamic stability) performed at Invitae indicates that this missense variant is expected to disrupt EXT1 protein function. This missense change has been observed in individual(s) with hereditary multiple osteochondromatosis (Invitae). This variant is not present in population databases (gnomAD no frequency). This sequence change replaces histidine, which is basic and polar, with arginine, which is basic and polar, at codon 627 of the EXT1 protein (p.His627Arg).